The following is an entry in ClinVar:

NM_025099.6(CTC1):c.1307G>A (p.Arg436His)

Gene: CTC1 (CST telomere replication complex component 1; minus strand). Cytogenetic location: 17p13.1.
Variant type: single nucleotide variant.
Coding change: c.1307G>A on transcript NM_025099.6 (MANE Select); coding-DNA position 1307, G replaced by A.
Protein change: p.Arg436His; replaces arginine 436 with histidine.
Molecular consequence: missense variant. On other transcripts: non-coding transcript variant (1).
Genome position (GRCh38, 1-based): chr17:8,235,185, C>T on the plus strand (G>A on the coding strand, the complement: CTC1 is on the minus strand). VCF-style: chr17-8235185-C-T. GRCh37 (hg19) VCF-style: chr17-8138503-C-T.
Other names: p.Arg436His; short protein forms R436H.
Identifiers: ClinVar variation 241578 (VCV000241578.26), dbSNP rs75790638, ClinGen allele CA8372389.

ClinVar aggregate classification (germline): Benign/Likely benign. Review status: criteria provided, multiple submitters, no conflicts (2 of 4 stars). 7 submissions from 7 submitters: Benign (5); Likely benign (2). Last evaluated 2026-02-02.

Conditions:
Dyskeratosis congenita. Identifiers: Orphanet 1775, MedGen C0265965, MONDO:0015780.
Cerebroretinal microangiopathy with calcifications and cysts 1 (CRMCC1). Identifiers: Orphanet 313838, MedGen C4552029, MONDO:0024564, OMIM 612199.

Allele frequency attached by ClinVar (database versions not stated): 1000 Genomes Project 30x 0.01171; 1000 Genomes Project 0.01178; gnomAD 0.01383; ESP Exome Variant Server 0.01404; TOPMed 0.01533.
gnomAD v4.1: 4,025 of 1,614,120 alleles (0.25%); highest among the groups gnomAD compares: African/African-American, 4.6%; 80 homozygotes.

Submissions (7):

Labcorp Genetics (formerly Invitae), Labcorp
Classification: Benign for Dyskeratosis congenita. Last evaluated: 2026-02-02. Review status: criteria provided, single submitter. Criteria: Invitae Variant Classification Sherloc (09022015). Collection method: clinical testing. Allele origin: germline.

ARUP Laboratories, Molecular Genetics and Genomics, ARUP Laboratories
Classification: Benign for Cerebroretinal microangiopathy with calcifications and cysts 1. Last evaluated: 2025-05-21. Review status: criteria provided, single submitter. Criteria: ARUP Molecular Germline Variant Investigation Process 2024. Collection method: clinical testing. Allele origin: germline.

Mayo Clinic Laboratories, Mayo Clinic
Classification: Benign. Last evaluated: 2025-01-13. Review status: criteria provided, single submitter. Criteria: ACMG Guidelines, 2015. Collection method: clinical testing. Allele origin: germline. Observed: 7 variant alleles.
Comment: BA1, BS2, BP4_moderate

Genome-Nilou Lab
Classification: Benign for Cerebroretinal microangiopathy with calcifications and cysts 1. Last evaluated: 2021-07-15. Review status: criteria provided, single submitter. Criteria: ACMG Guidelines, 2015. Collection method: clinical testing. Allele origin: germline. Affected: no.

GeneDx
Classification: Likely benign. Last evaluated: 2020-11-24. Review status: criteria provided, single submitter. Criteria: GeneDx Variant Classification Process June 2021. Collection method: clinical testing. Allele origin: germline. Affected: yes.

Illumina Laboratory Services, Illumina
Classification: Benign for Dyskeratosis congenita. Last evaluated: 2018-01-13. Review status: criteria provided, single submitter. Criteria: ICSL Variant Classification Criteria 13 December 2019. Collection method: clinical testing. Allele origin: germline.
Comment: This variant was observed in the ICSL laboratory as part of a predisposition screen in an ostensibly healthy population. It had not been previously curated by ICSL or reported in the Human Gene Mutation Database (HGMD: prior to June 1st, 2018), and was therefore a candidate for classification through an automated scoring system. Utilizing variant allele frequency, disease prevalence and penetrance estimates, and inheritance mode, an automated score was calculated to assess if this variant is too frequent to cause the disease. Based on the score and internal cut-off values, a variant classified as benign is not then subjected to further curation. The score for this variant resulted in a classification of benign for this disease.

Breakthrough Genomics
Classification: Likely benign. Review status: criteria provided, single submitter. Criteria: ACMG Guidelines, 2015. Collection method: not provided. Allele origin: germline. Inheritance: Autosomal recessive inheritance. Affected: yes.